The following is an entry in ClinVar:

ClinVar aggregate classification (germline): Pathogenic (1 of 4 stars; one submission).

Conditions:
Charcot-Marie-Tooth disease type 2. Also called: Charcot-Marie-Tooth type 2. Identifiers: Orphanet 64746, MedGen C0270914, MONDO:0018993.

Submission:

Labcorp Genetics (formerly Invitae), Labcorp
Classification: Pathogenic for Charcot-Marie-Tooth disease type 2. Last evaluated: 2022-11-01. Review status: criteria provided, single submitter. Criteria: Invitae Variant Classification Sherloc (09022015). Collection method: clinical testing. Allele origin: germline.
Comment: For these reasons, this variant has been classified as Pathogenic. This variant has not been reported in the literature in individuals affected with LMNA-related conditions. This variant is not present in population databases (gnomAD no frequency). This sequence change creates a premature translational stop signal (p.Asp93Thrfs*3) in the LMNA gene. It is expected to result in an absent or disrupted protein product. Loss-of-function variants in LMNA are known to be pathogenic (PMID: 18585512, 18926329).

Literature cited by the submitters: PubMed 18585512; PubMed 18926329.

NM_170707.4(LMNA):c.274del (p.Asp93fs)

Gene: LMNA (lamin A/C; plus strand). Cytogenetic location: 1q22.
Variant type: Deletion.
Coding change: c.274del on transcript NM_170707.4 (MANE Select); coding-DNA position 274, one base deleted (C; older notation c.274delC).
Protein change: p.Asp93fs; shifts the reading frame from aspartic acid 93.
Molecular consequence: frameshift variant. On other transcripts: intron variant (2), 5 prime UTR variant (8).
Genome position (GRCh38, 1-based): chr1:156,115,192, C deleted; the last of 3 consecutive C bases (chr1:156,115,190-156,115,192); deleting any one gives the same sequence. VCF-style (leftmost placement, unchanged base first): chr1-156115189-AC-A. GRCh37 (hg19) VCF-style: chr1-156084980-AC-A.
Other names: c.274del, p.Asp93fs (NM_005572.4, NM_170708.4, NM_001282625.2 and 6 more transcripts); c.-203+8369del (NM_001406993.1, NM_001407003.1); c.-150del (NM_001406986.1); c.-128del (NM_001406990.1, NM_001406995.1, NM_001407002.1); c.-391del (NM_001406994.1, NM_001407000.1); c.-571del (NM_001406999.1); c.-234del (NM_001407001.1); short protein forms D93fs.
Identifiers: ClinVar variation 2811218 (VCV002811218.3), dbSNP rs2527833719, ClinGen allele CA2739275333.
Genomic context (GRCh38, chr1:156,115,189, plus strand): 5'-AGCCGCGAGGTGTCCGGCATCAAGGCCGCCTACGAGGCCGAGCTCGGGGATGCCCGCAAG[AC>A]CCTTGACTCAGTAGCCAAGGAGCGCGCCCGCCTGCAGCTGGAGCTGAGCAAAGTGCGTGA-3'